The following is an entry in ClinVar:

ClinVar aggregate classification (germline): Benign. Review status: criteria provided, multiple submitters, no conflicts (2 of 4 stars). 2 submissions from 2 submitters: Benign (2). Last evaluated 2018-01-13.

Conditions:
Brachydactyly. Also called: Brachydactyly syndrome; Brachydactyly (disease). Identifiers: MedGen C0221357, MONDO:0021004, HP:0001156.

Allele frequency attached by ClinVar (database versions not stated): gnomAD 0.10790 and 0.11440; 1000 Genomes Project 0.11302; 1000 Genomes Project 30x 0.11727; TOPMed 0.12282.

Submissions (2):

Illumina Laboratory Services, Illumina
Classification: Benign for Brachydactyly. Last evaluated: 2018-01-13. Review status: criteria provided, single submitter. Criteria: ICSL Variant Classification Criteria 13 December 2019. Collection method: clinical testing. Allele origin: germline.
Comment: This variant was observed in the ICSL laboratory as part of a predisposition screen in an ostensibly healthy population. It had not been previously curated by ICSL or reported in the Human Gene Mutation Database (HGMD: prior to June 1st, 2018), and was therefore a candidate for classification through an automated scoring system. Utilizing variant allele frequency, disease prevalence and penetrance estimates, and inheritance mode, an automated score was calculated to assess if this variant is too frequent to cause the disease. Based on the score and internal cut-off values, a variant classified as benign is not then subjected to further curation. The score for this variant resulted in a classification of benign for this disease.

Breakthrough Genomics
Classification: Benign. Review status: criteria provided, single submitter. Criteria: ACMG Guidelines, 2015. Collection method: not provided. Allele origin: germline. Inheritance: Autosomal recessive inheritance. Affected: yes.

NM_001203.3(BMPR1B):c.*2332T>A

Gene: BMPR1B (bone morphogenetic protein receptor type 1B; plus strand). Cytogenetic location: 4q22.3.
Variant type: single nucleotide variant.
Coding change: c.*2332T>A on transcript NM_001203.3 (MANE Select); 2332 bases downstream of the stop codon, T replaced by A.
Molecular consequence: 3 prime UTR variant.
Genome position (GRCh38, 1-based): chr4:95,157,005, T>A. VCF-style: chr4-95157005-T-A. GRCh37 (hg19) VCF-style: chr4-96078156-T-A.
Other names: c.*2332T>A (NM_001256792.2, NM_001256793.2, NM_001256794.1).
Identifiers: ClinVar variation 350166 (VCV000350166.6), dbSNP rs73839218, ClinGen allele CA10622036.